The following is an entry in ClinVar:

ClinVar aggregate classification (germline): Conflicting classifications of pathogenicity. Review status: criteria provided, conflicting classifications (1 of 4 stars). 3 submissions from 3 submitters: Uncertain significance (1); Likely benign (2). Last evaluated 2025-09-01.

Allele frequency attached by ClinVar (database versions not stated): gnomAD exomes 0.00001; ExAC 0.00003; gnomAD 0.00003; TOPMed 0.00006; ESP Exome Variant Server 0.00008.
gnomAD v4.1: 18 of 1,613,636 alleles (0.0011%); highest among the groups gnomAD compares: African/African-American, 0.0067%; no homozygotes.

Submissions (3):

CeGaT Center for Human Genetics Tuebingen
Classification: Likely benign. Last evaluated: 2025-09-01. Review status: criteria provided, single submitter. Criteria: CeGaT Center For Human Genetics Tuebingen Variant Classification Criteria Version 2. Collection method: clinical testing. Allele origin: germline. Affected: yes. Observed: 1 variant allele.
Comment: TNFAIP3: BP4, BP7

Labcorp Genetics (formerly Invitae), Labcorp
Classification: Uncertain significance. Last evaluated: 2025-07-27. Review status: criteria provided, single submitter. Criteria: Invitae Variant Classification Sherloc (09022015). Collection method: clinical testing. Allele origin: germline.
Comment: This sequence change affects codon 98 of the TNFAIP3 mRNA. It is a 'silent' change, meaning that it does not change the encoded amino acid sequence of the TNFAIP3 protein. It affects a nucleotide within the consensus splice site. This variant is present in population databases (rs146004919, gnomAD 0.007%). This variant has not been reported in the literature in individuals affected with TNFAIP3-related conditions. ClinVar contains an entry for this variant (Variation ID: 2189843). Algorithms developed to predict the effect of sequence changes on RNA splicing suggest that this variant is not likely to affect RNA splicing. In summary, the available evidence is currently insufficient to determine the role of this variant in disease. Therefore, it has been classified as a Variant of Uncertain Significance.

Blueprint Genetics
Classification: Likely benign. Last evaluated: 2024-04-15. Review status: criteria provided, single submitter. Criteria: ACMG Guidelines, 2015. Collection method: clinical testing. Allele origin: germline.

NM_001270508.2(TNFAIP3):c.294C>T (p.Asn98=)

Gene: TNFAIP3 (TNF alpha induced protein 3; plus strand). Cytogenetic location: 6q23.3.
Variant type: single nucleotide variant.
Coding change: c.294C>T on transcript NM_001270508.2 (MANE Select); coding-DNA position 294, C replaced by T.
Protein change: p.Asn98=; no amino-acid change (asparagine 98 retained).
Molecular consequence: synonymous variant.
Genome position (GRCh38, 1-based): chr6:137,871,521, C>T. VCF-style: chr6-137871521-C-T. GRCh37 (hg19) VCF-style: chr6-138192658-C-T.
Other names: c.294C>T, p.Asn98= (NM_001270507.2, NM_006290.4).
Identifiers: ClinVar variation 2189843 (VCV002189843.12), dbSNP rs146004919, ClinGen allele CA4019378.